The following is an entry in ClinVar:

NM_007294.4(BRCA1):c.3751T>A (p.Cys1251Ser)

Genes: BRCA1 (BRCA1 DNA repair associated; minus strand), LOC126862571 (BRD4-independent group 4 enhancer GRCh37_chr17:41243136-41244335; plus strand). Cytogenetic location: 17q21.31.
Variant type: single nucleotide variant.
Coding change: c.3751T>A on transcript NM_007294.4 (MANE Select); coding-DNA position 3751, T replaced by A.
Protein change: p.Cys1251Ser; replaces cysteine 1251 with serine.
Molecular consequence: missense variant. On other transcripts: intron variant (135).
Genome position (GRCh38, 1-based): chr17:43,091,780, A>T on the plus strand (T>A on the coding strand, the complement: BRCA1 is on the minus strand). VCF-style: chr17-43091780-A-T. GRCh37 (hg19) VCF-style: chr17-41243797-A-T.
Other names: c.3751T>A, p.Cys1251Ser (NM_001407641.1, NM_001407642.1, NM_001407652.1 and 30 more transcripts); c.3673T>A, p.Cys1225Ser (NM_001407656.1, NM_001407657.1, NM_001407653.1 and 4 more transcripts); c.3628T>A, p.Cys1210Ser (NM_001407648.1, NM_001407664.1, NM_001407665.1 and 19 more transcripts); c.3625T>A, p.Cys1209Ser (NM_001407649.1, NM_001407670.1, NM_001407671.1 and 11 more transcripts); c.3748T>A, p.Cys1250Ser (NM_001407644.1, NM_001407645.1, NM_001407587.1 and 22 more transcripts); c.3670T>A, p.Cys1224Ser (NM_001407659.1, NM_001407660.1, NM_001407661.1 and 1 more transcripts); c.3742T>A, p.Cys1248Ser (NM_001407646.1, NM_001407647.1); c.3538T>A, p.Cys1180Ser (NM_001407571.1, NM_001407853.1, NM_001407894.1 and 9 more transcripts); and 41 more; short protein forms C1083S, C1123S, C1124S, C1139S, C1140S, C1162S, C1163S, C1180S.
Identifiers: ClinVar variation 3340195 (VCV003340195.1).
Genomic context (GRCh38, chr17:43,091,780, plus strand): 5'-TGCAGTCATTTAAGCTATTCTTCAATGATAATAAATTCTCCTCTGTGTTCTTAGACAGAC[A>T]CTCGGTAGCAACGGTGCTATGCCTAGTAGACTGAGAAGGTATATTGTTTACTTTACCAAA-3'
Protein context (NP_009225.1, residues 1241-1261): STRHSTVATE[Cys1251Ser]LSKNTEENLL

ClinVar aggregate classification (germline): Uncertain significance (1 of 4 stars; one submission).

Submission:

GeneDx
Classification: Uncertain significance. Last evaluated: 2023-07-05. Review status: criteria provided, single submitter. Criteria: GeneDx Variant Classification Process June 2021. Collection method: clinical testing. Allele origin: germline. Affected: yes.
Comment: Not observed at significant frequency in large population cohorts (gnomAD); In silico analysis supports that this missense variant does not alter protein structure/function; Has not been previously published as pathogenic or benign to our knowledge; Also known as 3870T>A